The following is an entry in ClinVar:

NM_006019.4(TCIRG1):c.389C>T (p.Ala130Val)

Gene: TCIRG1 (T cell immune regulator 1, ATPase H+ transporting V0 subunit a3; plus strand). Cytogenetic location: 11q13.2.
Variant type: single nucleotide variant.
Coding change: c.389C>T on transcript NM_006019.4 (MANE Select); coding-DNA position 389, C replaced by T.
Protein change: p.Ala130Val; replaces alanine 130 with valine.
Molecular consequence: missense variant. On other transcripts: 5 prime UTR variant (1).
Genome position (GRCh38, 1-based): chr11:68,042,835, C>T. VCF-style: chr11-68042835-C-T. GRCh37 (hg19) VCF-style: chr11-67810302-C-T.
Other names: c.-861C>T (NM_001351059.2); short protein forms A130V.
Identifiers: ClinVar variation 3710617 (VCV003710617.2).

ClinVar aggregate classification (germline): Uncertain significance (1 of 4 stars; one submission).

gnomAD v4.1: 11 of 1,548,752 alleles (0.00071%); highest among the groups gnomAD compares: African/African-American, 0.0055%; no homozygotes.

Submission:

Labcorp Genetics (formerly Invitae), Labcorp
Classification: Uncertain significance. Last evaluated: 2024-10-21. Review status: criteria provided, single submitter. Criteria: Invitae Variant Classification Sherloc (09022015). Collection method: clinical testing. Allele origin: germline.
Comment: This sequence change replaces alanine, which is neutral and non-polar, with valine, which is neutral and non-polar, at codon 130 of the TCIRG1 protein (p.Ala130Val). This variant is present in population databases (no rsID available, gnomAD 0.01%). This variant has not been reported in the literature in individuals affected with TCIRG1-related conditions. Invitae Evidence Modeling of protein sequence and biophysical properties (such as structural, functional, and spatial information, amino acid conservation, physicochemical variation, residue mobility, and thermodynamic stability) indicates that this missense variant is not expected to disrupt TCIRG1 protein function with a negative predictive value of 80%. In summary, the available evidence is currently insufficient to determine the role of this variant in disease. Therefore, it has been classified as a Variant of Uncertain Significance.